The following is an entry in ClinVar:

ClinVar aggregate classification (germline): Likely benign. Review status: criteria provided, multiple submitters, no conflicts (2 of 4 stars). 3 submissions from 3 submitters: Likely benign (3). Last evaluated 2026-07-22.

Conditions:
ARSG-related disorder. Also called: ARSG-related condition.

Allele frequency attached by ClinVar (database versions not stated): gnomAD 0.00005 and 0.00006; ESP Exome Variant Server 0.00015; TOPMed 0.00009; ExAC 0.00012; gnomAD exomes 0.00013.
gnomAD v4.1: 230 of 1,614,026 alleles (0.014%); highest among the groups gnomAD compares: Admixed American, 0.023%; no homozygotes.

Submissions (3):

PreventionGenetics, part of Exact Sciences
Classification: Likely benign for ARSG-related condition. Last evaluated: 2026-07-22. Review status: criteria provided, single submitter. Criteria: ACMG Guidelines, 2015. Collection method: clinical testing. Allele origin: germline.
Comment: This variant is classified as likely benign based on ACMG/AMP sequence variant interpretation guidelines (Richards et al. 2015 PMID: 25741868, with internal and published modifications).

Labcorp Genetics (formerly Invitae), Labcorp
Classification: Likely benign. Last evaluated: 2026-01-06. Review status: criteria provided, single submitter. Criteria: Invitae Variant Classification Sherloc (09022015). Collection method: clinical testing. Allele origin: germline.

Blueprint Genetics
Classification: Likely benign. Last evaluated: 2024-09-02. Review status: criteria provided, single submitter. Criteria: ACMG Guidelines, 2015. Collection method: clinical testing. Allele origin: germline.

NM_001267727.2(ARSG):c.1500C>T (p.Ser500=)

Genes: ARSG (arylsulfatase G; plus strand), PRKAR1A (protein kinase cAMP-dependent type I regulatory subunit alpha; plus strand). Cytogenetic location: 17q24.2.
Variant type: single nucleotide variant.
Coding change: c.1500C>T on transcript NM_001267727.2 (MANE Select); coding-DNA position 1500, C replaced by T.
Protein change: p.Ser500=; no amino-acid change (serine 500 retained).
Molecular consequence: synonymous variant. On other transcripts: intron variant (3).
Genome position (GRCh38, 1-based): chr17:68,420,385, C>T. VCF-style: chr17-68420385-C-T. GRCh37 (hg19) VCF-style: chr17-66416526-C-T.
Other names: c.1500C>T, p.Ser500= (NM_001352899.2, NM_001352900.2, NM_001352901.2 and 2 more transcripts); c.1497C>T, p.Ser499= (NM_001352903.2, NM_001352904.2, NM_001352905.2 and 2 more transcripts); c.1303+18935C>T (NM_001352910.2); c.1255+18935C>T (NM_001352909.2); c.-7+6590C>T (NM_001278433.2).
Identifiers: ClinVar variation 1145071 (VCV001145071.11), dbSNP rs377496827, ClinGen allele CA8728597.
Genomic context (GRCh38, chr17:68,420,385, plus strand): 5'-CGAGGTCAGAAAGGTTCTTGCAGACGTCCTCCAAGACATTGCCAACGACAACATCTCCAG[C>T]GCAGATTACACTCAGGACCCTTCAGTAACTCCCTGCTGTAATCCCTACCAAATTGCCTGC-3'
Protein context (NP_001254656.1, residues 490-510): LQDIANDNIS[Ser500=]ADYTQDPSVT